The following is an entry in ClinVar:

NM_002474.3(MYH11):c.2345G>A (p.Arg782Gln)

Gene: MYH11 (myosin heavy chain 11; minus strand). Cytogenetic location: 16p13.11.
Variant type: single nucleotide variant.
Coding change: c.2345G>A on transcript NM_002474.3 (MANE Select); coding-DNA position 2345, G replaced by A.
Protein change: p.Arg782Gln; replaces arginine 782 with glutamine.
Molecular consequence: missense variant.
Genome position (GRCh38, 1-based): chr16:15,747,636, C>T on the plus strand (G>A on the coding strand, the complement: MYH11 is on the minus strand). VCF-style: chr16-15747636-C-T. GRCh37 (hg19) VCF-style: chr16-15841493-C-T.
Other names: c.2366G>A, p.Arg789Gln (NM_001040113.2, NM_001040114.2); c.2345G>A, p.Arg782Gln (NM_022844.3); short protein forms R782Q, R789Q.
Identifiers: ClinVar variation 697991 (VCV000697991.15), dbSNP rs200835799, ClinGen allele CA7922309.
Genomic context (GRCh38, chr16:15,747,636, plus strand): 5'-GCCAAGTAGCCACGACACATCGCCTGGAAGGCCATGATGACATCGGTGATCTTCAAATCT[C>T]GCTCCTCCTCTAGGTGGGCCAGGACGCCAGTTCGGAAGAAGATTTTGCTCTGCCCTATCC-3'
Protein context (NP_002465.1, residues 772-792): TGVLAHLEEE[Arg782Gln]DLKITDVIMA

ClinVar aggregate classification (germline): Conflicting classifications of pathogenicity. Review status: criteria provided, conflicting classifications (1 of 4 stars). 3 submissions from 3 submitters: Uncertain significance (1); Likely benign (2). Last evaluated 2024-08-10.

Conditions:
Aortic aneurysm, familial thoracic 4 (AAT4). Also called: AORTIC ANEURYSM/AORTIC DISSECTION AND PATENT DUCTUS ARTERIOSUS. Identifiers: MedGen C1851504, MONDO:0007568, OMIM 132900.
Familial thoracic aortic aneurysm and aortic dissection (TAAD). Also called: Thoracic aortic aneurysms and dissections. Identifiers: Orphanet 91387, MedGen C4707243, MONDO:0019625.

Allele frequency attached by ClinVar (database versions not stated): gnomAD 0.00001; TOPMed 0.00001; gnomAD exomes 0.00002 and 0.00007; ExAC 0.00005.
gnomAD v4.1: 31 of 1,613,992 alleles (0.0019%); highest among the groups gnomAD compares: Non-Finnish European, 0.00076%; no homozygotes.

Submissions (3):

Labcorp Genetics (formerly Invitae), Labcorp
Classification: Likely benign for Aortic aneurysm, familial thoracic 4. Last evaluated: 2024-08-10. Review status: criteria provided, single submitter. Criteria: Invitae Variant Classification Sherloc (09022015). Collection method: clinical testing. Allele origin: germline.

Ambry Genetics
Classification: Uncertain significance for Familial thoracic aortic aneurysm and aortic dissection. Last evaluated: 2021-07-22. Review status: criteria provided, single submitter. Criteria: Ambry Variant Classification Scheme 2023. Collection method: clinical testing. Allele origin: germline.
Comment: The p.R782Q variant (also known as c.2345G>A), located in coding exon 18 of the MYH11 gene, results from a G to A substitution at nucleotide position 2345. The arginine at codon 782 is replaced by glutamine, an amino acid with highly similar properties. This amino acid position is conserved. In addition, this alteration is predicted to be deleterious by in silico analysis. Since supporting evidence is limited at this time, the clinical significance of this alteration remains unclear.

Color Diagnostics, LLC DBA Color Health
Classification: Likely benign for Familial thoracic aortic aneurysm and aortic dissection. Last evaluated: 2018-12-03. Review status: criteria provided, single submitter. Criteria: ACMG Guidelines, 2015. Collection method: clinical testing. Allele origin: germline.